The following is an entry in ClinVar:

NM_002582.4(PARN):c.1102A>T (p.Ser368Cys)

Gene: PARN (poly(A)-specific ribonuclease; minus strand). Cytogenetic location: 16p13.12.
Variant type: single nucleotide variant.
Coding change: c.1102A>T on transcript NM_002582.4 (MANE Select); coding-DNA position 1102, A replaced by T.
Protein change: p.Ser368Cys; replaces serine 368 with cysteine.
Molecular consequence: missense variant.
Genome position (GRCh38, 1-based): chr16:14,582,271, T>A on the plus strand (A>T on the coding strand, the complement: PARN is on the minus strand). VCF-style: chr16-14582271-T-A. GRCh37 (hg19) VCF-style: chr16-14676128-T-A.
Other names: c.1102A>T, p.Ser368Cys (LRG_1286t1); c.919A>T, p.Ser307Cys (NM_001134477.3); c.964A>T, p.Ser322Cys (NM_001242992.2); short protein forms S368C, S307C, S322C.
Identifiers: ClinVar variation 436154 (VCV000436154.20), dbSNP rs138984302, ClinGen allele CA7912144.

ClinVar aggregate classification (germline): Benign/Likely benign. Review status: criteria provided, multiple submitters, no conflicts (2 of 4 stars). 4 submissions from 4 submitters: Benign (1); Likely benign (3). Last evaluated 2026-05-01.

Conditions:
Dyskeratosis congenita, autosomal recessive 6 (DKCB6). Identifiers: MedGen C4225356, MONDO:0014600, OMIM 616353.
Pulmonary fibrosis and/or bone marrow failure, Telomere-related, 4. Also called: PULMONARY FIBROSIS AND/OR BONE MARROW FAILURE SYNDROME, TELOMERE-RELATED, 4. Identifiers: Orphanet 2032, MedGen C4225347, MONDO:0014612, OMIM 616371.

Allele frequency attached by ClinVar (database versions not stated): 1000 Genomes Project 30x 0.00109; TOPMed 0.00287; ESP Exome Variant Server 0.00290; gnomAD exomes 0.00050; ExAC 0.00070; 1000 Genomes Project 0.00100.

Submissions (4):

CeGaT Center for Human Genetics Tuebingen
Classification: Likely benign. Last evaluated: 2026-05-01. Review status: criteria provided, single submitter. Criteria: CeGaT Center For Human Genetics Tuebingen Variant Classification Criteria Version 2. Collection method: clinical testing. Allele origin: germline. Affected: yes. Observed: 1 variant allele.
Comment: PARN: BS2

Labcorp Genetics (formerly Invitae), Labcorp
Classification: Benign for Dyskeratosis congenita, autosomal recessive 6; Pulmonary fibrosis and/or bone marrow failure, Telomere-related, 4. Last evaluated: 2026-01-19. Review status: criteria provided, single submitter. Criteria: Invitae Variant Classification Sherloc (09022015). Collection method: clinical testing. Allele origin: germline.

Blueprint Genetics
Classification: Likely benign. Last evaluated: 2024-10-18. Review status: criteria provided, single submitter. Criteria: ACMG Guidelines, 2015. Collection method: clinical testing. Allele origin: germline.

Genetic Services Laboratory, University of Chicago
Classification: Likely benign. Last evaluated: 2017-06-19. Review status: criteria provided, single submitter. Criteria: ACMG Guidelines, 2015. Collection method: clinical testing. Allele origin: germline. Affected: no.